The following is an entry in ClinVar:

NM_004820.5(CYP7B1):c.105G>C (p.Leu35Phe)

Gene: CYP7B1 (cytochrome P450 family 7 subfamily B member 1; minus strand). Cytogenetic location: 8q12.3.
Variant type: single nucleotide variant.
Coding change: c.105G>C on transcript NM_004820.5 (MANE Select); coding-DNA position 105, G replaced by C.
Protein change: p.Leu35Phe; replaces leucine 35 with phenylalanine.
Molecular consequence: missense variant.
Genome position (GRCh38, 1-based): chr8:64,798,483, C>G on the plus strand (G>C on the coding strand, the complement: CYP7B1 is on the minus strand). VCF-style: chr8-64798483-C-G. GRCh37 (hg19) VCF-style: chr8-65711040-C-G.
Other names: c.105G>C, p.Leu35Phe (NM_001324112.2); short protein forms L35F.
Identifiers: ClinVar variation 594065 (VCV000594065.8), dbSNP rs1563432681, ClinGen allele CA371408160.

ClinVar aggregate classification (germline): Uncertain significance. Review status: criteria provided, multiple submitters, no conflicts (2 of 4 stars). 2 submissions from 2 submitters: Uncertain significance (2). Last evaluated 2022-05-09.

Conditions:
Spastic paraplegia. Identifiers: MedGen C0037772, HP:0001258.

gnomAD v4.1: 1 of 1,513,408 alleles (0.000066%); no homozygotes.

Submissions (2):

Labcorp Genetics (formerly Invitae), Labcorp
Classification: Uncertain significance for Spastic paraplegia. Last evaluated: 2022-05-09. Review status: criteria provided, single submitter. Criteria: Invitae Variant Classification Sherloc (09022015). Collection method: clinical testing. Allele origin: germline.
Comment: This variant has not been reported in the literature in individuals affected with CYP7B1-related conditions. In summary, the available evidence is currently insufficient to determine the role of this variant in disease. Therefore, it has been classified as a Variant of Uncertain Significance. Algorithms developed to predict the effect of missense changes on protein structure and function (SIFT, PolyPhen-2, Align-GVGD) all suggest that this variant is likely to be tolerated. ClinVar contains an entry for this variant (Variation ID: 594065). This variant is not present in population databases (gnomAD no frequency). This sequence change replaces leucine, which is neutral and non-polar, with phenylalanine, which is neutral and non-polar, at codon 35 of the CYP7B1 protein (p.Leu35Phe).

Eurofins Ntd Llc (ga)
Classification: Uncertain significance. Last evaluated: 2017-09-13. Review status: criteria provided, single submitter. Criteria: EGL Classification Definitions 2015. Collection method: clinical testing. Allele origin: germline. Observed: 1 variant allele, 1 heterozygote.